The following is an entry in ClinVar:

ClinVar aggregate classification (germline): Uncertain significance. Review status: criteria provided, multiple submitters, no conflicts (2 of 4 stars). 2 submissions from 2 submitters: Uncertain significance (2). Last evaluated 2024-03-20.

Conditions:
Hereditary cancer-predisposing syndrome. Also called: Tumor predisposition; Hereditary Cancer Syndrome; Hereditary neoplastic syndrome; Neoplastic Syndromes, Hereditary. Identifiers: Orphanet 140162, MedGen C0027672, MeSH D009386, MONDO:0015356.
Gastrointestinal stromal tumor. Also called: Gastrointestinal stroma tumor; Gastrointestinal stromal tumor, somatic. Identifiers: Orphanet 44890, MedGen C0238198, MeSH D046152, MONDO:0011719, OMIM 606764, HP:0100723.

Submissions (2):

Ambry Genetics
Classification: Uncertain significance for Hereditary cancer-predisposing syndrome. Last evaluated: 2024-03-20. Review status: criteria provided, single submitter. Criteria: Ambry Variant Classification Scheme 2023. Collection method: clinical testing. Allele origin: germline.
Comment: The p.I647T variant (also known as c.1940T>C), located in coding exon 13 of the PDGFRA gene, results from a T to C substitution at nucleotide position 1940. The isoleucine at codon 647 is replaced by threonine, an amino acid with similar properties. This amino acid position is conserved. In addition, this alteration is predicted to be deleterious by in silico analysis. Based on the available evidence, the clinical significance of this alteration remains unclear.

Labcorp Genetics (formerly Invitae), Labcorp
Classification: Uncertain significance for Gastrointestinal stromal tumor. Last evaluated: 2023-12-02. Review status: criteria provided, single submitter. Criteria: Invitae Variant Classification Sherloc (09022015). Collection method: clinical testing. Allele origin: germline.
Comment: This sequence change replaces isoleucine, which is neutral and non-polar, with threonine, which is neutral and polar, at codon 647 of the PDGFRA protein (p.Ile647Thr). This variant is not present in population databases (gnomAD no frequency). This variant has not been reported in the literature in individuals affected with PDGFRA-related conditions. ClinVar contains an entry for this variant (Variation ID: 1996513). Advanced modeling of protein sequence and biophysical properties (such as structural, functional, and spatial information, amino acid conservation, physicochemical variation, residue mobility, and thermodynamic stability) performed at Invitae indicates that this missense variant is not expected to disrupt PDGFRA protein function with a negative predictive value of 80%. In summary, the available evidence is currently insufficient to determine the role of this variant in disease. Therefore, it has been classified as a Variant of Uncertain Significance.

NM_006206.6(PDGFRA):c.1940T>C (p.Ile647Thr)

Gene: PDGFRA (platelet derived growth factor receptor alpha; plus strand). Cytogenetic location: 4q12.
Variant type: single nucleotide variant.
Coding change: c.1940T>C on transcript NM_006206.6 (MANE Select); coding-DNA position 1940, T replaced by C.
Protein change: p.Ile647Thr; replaces isoleucine 647 with threonine.
Molecular consequence: missense variant.
Genome position (GRCh38, 1-based): chr4:54,277,944, T>C. VCF-style: chr4-54277944-T-C. GRCh37 (hg19) VCF-style: chr4-55144111-T-C.
Other names: c.1940T>C, p.Ile647Thr (NM_001347827.2, NM_001347829.2); c.2015T>C, p.Ile672Thr (NM_001347828.2); c.1979T>C, p.Ile660Thr (NM_001347830.2); short protein forms I660T, I672T, I647T.
Identifiers: ClinVar variation 1996513 (VCV001996513.5), dbSNP rs2475511199, ClinGen allele CA356893672.